The following is an entry in ClinVar:

ClinVar aggregate classification (germline): Benign/Likely benign. Review status: criteria provided, multiple submitters, no conflicts (2 of 4 stars). 10 submissions from 10 submitters: Benign (9); Likely benign (1). Last evaluated 2026-02-03.

Conditions:
Inborn genetic diseases. Identifiers: MedGen C0950123, MeSH D030342.
Developmental and epileptic encephalopathy, 9 (DEE9). Also called: Early infantile epileptic encephalopathy 9; EPILEPSY, FEMALE-RESTRICTED, WITH MENTAL RETARDATION; JUBERG-HELLMAN SYNDROME; PCDH19-Related X-Linked Female-Limited Epilepsy with Mental Retardation. Identifiers: Orphanet 101039, Orphanet 2076, MedGen C1848137, MONDO:0010246, OMIM 300088. Disease mechanism: loss of function.

Allele frequency attached by ClinVar (database versions not stated): 1000 Genomes Project 30x 0.00395; 1000 Genomes Project 0.00450; gnomAD exomes 0.01021 and 0.01589; gnomAD 0.01044 and 0.01073; ExAC 0.01083; TOPMed 0.01090; ESP Exome Variant Server 0.01114.
gnomAD v4.1: 18,506 of 1,210,690 alleles (1.5%); highest among the groups gnomAD compares: Non-Finnish European, 1.9%; 117 homozygotes.

Submissions (10):

Labcorp Genetics (formerly Invitae), Labcorp
Classification: Benign for Developmental and epileptic encephalopathy, 9. Last evaluated: 2026-02-03. Review status: criteria provided, single submitter. Criteria: Invitae Variant Classification Sherloc (09022015). Collection method: clinical testing. Allele origin: germline.

Blueprint Genetics
Classification: Benign. Last evaluated: 2024-11-27. Review status: criteria provided, single submitter. Criteria: ACMG Guidelines, 2015. Collection method: clinical testing. Allele origin: germline.

Fulgent Genetics
Classification: Likely benign for Developmental and epileptic encephalopathy, 9. Last evaluated: 2021-10-20. Review status: criteria provided, single submitter. Criteria: ACMG Guidelines, 2015. Collection method: clinical testing. Allele origin: unknown.

Mayo Clinic Laboratories, Mayo Clinic
Classification: Benign. Last evaluated: 2019-09-18. Review status: criteria provided, single submitter. Criteria: ACMG Guidelines, 2015. Collection method: clinical testing. Allele origin: germline. Observed: 8 variant alleles.

Ambry Genetics
Classification: Benign for Inborn genetic diseases. Last evaluated: 2016-06-08. Review status: criteria provided, single submitter. Criteria: Ambry Variant Classification Scheme 2023. Collection method: clinical testing. Allele origin: germline.

Eurofins Ntd Llc (ga)
Classification: Benign. Last evaluated: 2013-04-16. Review status: criteria provided, single submitter. Criteria: EGL Classification Definitions 2015. Collection method: clinical testing. Allele origin: germline. Observed: 3 variant alleles, 3 heterozygotes.

Genetic Services Laboratory, University of Chicago
Classification: Benign. Last evaluated: 2013-02-08. Review status: criteria provided, single submitter. Criteria: ACMG Guidelines, 2007. Collection method: clinical testing. Allele origin: germline. Inheritance: X-linked inheritance.

GeneDx
Classification: Benign. Last evaluated: 2012-03-26. Review status: criteria provided, single submitter. Criteria: GeneDx Variant Classification (06012015). Collection method: clinical testing. Allele origin: germline. Affected: yes.
Comment: This variant is considered likely benign or benign based on one or more of the following criteria: it is a conservative change, it occurs at a poorly conserved position in the protein, it is predicted to be benign by multiple in silico algorithms, and/or has population frequency not consistent with disease.

Breakthrough Genomics
Classification: Benign. Review status: criteria provided, single submitter. Criteria: ACMG Guidelines, 2015. Collection method: not provided. Allele origin: germline. Inheritance: X-linked inheritance. Affected: yes.

PreventionGenetics, part of Exact Sciences
Classification: Benign. Review status: criteria provided, single submitter. Criteria: ACMG Guidelines, 2015. Collection method: clinical testing. Allele origin: germline.

NM_001184880.2(PCDH19):c.1137C>T (p.Gly379=)

Gene: PCDH19 (protocadherin 19; minus strand). Cytogenetic location: Xq22.1.
Variant type: single nucleotide variant.
Coding change: c.1137C>T on transcript NM_001184880.2 (MANE Select); coding-DNA position 1137, C replaced by T.
Protein change: p.Gly379=; no amino-acid change (glycine 379 retained).
Molecular consequence: synonymous variant.
Genome position (GRCh38, 1-based): chrX:100,407,461, G>A on the plus strand (C>T on the coding strand, the complement: PCDH19 is on the minus strand). VCF-style: chrX-100407461-G-A. GRCh37 (hg19) VCF-style: chrX-99662459-G-A.
Other names: p.G379G:GGC>GGT; p.Gly379=; c.1137C>T, p.Gly379= (NM_001105243.2, NM_020766.3).
Identifiers: ClinVar variation 93670 (VCV000093670.28), dbSNP rs56277715, ClinGen allele CA285461.